The following is an entry in ClinVar:

ClinVar aggregate classification (germline): Pathogenic (1 of 4 stars; one submission).

Conditions:
Familial cancer of breast. Also called: hereditary breast carcinoma; Hereditary breast cancer; BREAST CANCER, FAMILIAL. Identifiers: Orphanet 227535, MedGen C0346153, MONDO:0016419, OMIM 114480. Disease mechanism: loss of function.

Submission:

Labcorp Genetics (formerly Invitae), Labcorp
Classification: Pathogenic for Familial cancer of breast. Last evaluated: 2024-09-06. Review status: criteria provided, single submitter. Criteria: Invitae Variant Classification Sherloc (09022015). Collection method: clinical testing. Allele origin: germline.
Comment: This sequence change creates a premature translational stop signal (p.Lys148*) in the PALB2 gene. It is expected to result in an absent or disrupted protein product. Loss-of-function variants in PALB2 are known to be pathogenic (PMID: 17200668, 17200671, 17200672, 24136930, 25099575). This variant is not present in population databases (gnomAD no frequency). This variant has not been reported in the literature in individuals affected with PALB2-related conditions. For these reasons, this variant has been classified as Pathogenic.

Literature cited by the submitters: PubMed 17200668; PubMed 17200671; PubMed 17200672; PubMed 24136930; PubMed 25099575.

NM_024675.4(PALB2):c.442A>T (p.Lys148Ter)

Gene: PALB2 (partner and localizer of BRCA2; minus strand). Cytogenetic location: 16p12.2.
Variant type: single nucleotide variant.
Coding change: c.442A>T on transcript NM_024675.4 (MANE Select); coding-DNA position 442, A replaced by T.
Protein change: p.Lys148Ter; replaces lysine 148 with a stop codon.
Molecular consequence: nonsense. On other transcripts: 5 prime UTR variant (8), intron variant (3).
Genome position (GRCh38, 1-based): chr16:23,636,104, T>A on the plus strand (A>T on the coding strand, the complement: PALB2 is on the minus strand). VCF-style: chr16-23636104-T-A. GRCh37 (hg19) VCF-style: chr16-23647425-T-A.
Other names: c.382A>T, p.Lys128Ter (NM_001407296.1); c.442A>T, p.Lys148Ter (NM_001407297.1, NM_001407298.1, NM_001407299.1 and 3 more transcripts); c.-444A>T (NM_001407304.1, NM_001407305.1, NM_001407306.1 and 5 more transcripts); c.48+5006A>T (NM_001407314.1); c.-105+5006A>T (NM_001407313.1, NM_001407312.1); short protein forms K148*, K128*.
Identifiers: ClinVar variation 2709974 (VCV002709974.3), dbSNP rs2142443334, ClinGen allele CA395137253.
Genomic context (GRCh38, chr16:23,636,104, plus strand): 5'-AATCAGTGCCAAAGACACAGTCTCTCTCCTGTGAAATAAATGTCCTCTTCTGCTGCTTCT[T>A]TCTTCTGCTTGGCAGCTTCTGCTTTTGCTCACCACTAGGGTCACTGACCCTGTGGGGAAA-3'